The following is an entry in ClinVar:

NM_000075.4(CDK4):c.554T>G (p.Val185Gly)

Gene: CDK4 (cyclin dependent kinase 4; minus strand). Cytogenetic location: 12q14.1.
Variant type: single nucleotide variant.
Coding change: c.554T>G on transcript NM_000075.4 (MANE Select); coding-DNA position 554, T replaced by G.
Protein change: p.Val185Gly; replaces valine 185 with glycine.
Molecular consequence: missense variant.
Genome position (GRCh38, 1-based): chr12:57,750,734, A>C on the plus strand (T>G on the coding strand, the complement: CDK4 is on the minus strand). VCF-style: chr12-57750734-A-C. GRCh37 (hg19) VCF-style: chr12-58144517-A-C.
Other names: short protein forms V185G.
Identifiers: ClinVar variation 4803056 (VCV004803056.1).
Genomic context (GRCh38, chr12:57,750,734, plus strand): 5'-GCAAAGATACAGCCAACACTCCACATGTCCACAGGTGTTGCATATGTGGACTGCAGAAGA[A>C]CTTCGGGAGCTCGGTACCAGAGTGTAACAACCTAAAGGGAATAGGAAGAATGGATGGGGA-3'
Protein context (NP_000066.1, residues 175-195): VVTLWYRAPE[Val185Gly]LLQSTYATPV

ClinVar aggregate classification (germline): Uncertain significance (1 of 4 stars; one submission).

Conditions:
Familial melanoma. Also called: Hereditary melanoma; Hereditary cutaneous melanoma. Identifiers: Orphanet 618, MedGen C1512419, MONDO:0018961.

Submission:

Labcorp Genetics (formerly Invitae), Labcorp
Classification: Uncertain significance for Familial melanoma. Last evaluated: 2025-10-23. Review status: criteria provided, single submitter. Criteria: Invitae Variant Classification Sherloc (09022015). Collection method: clinical testing. Allele origin: germline.
Comment: This sequence change replaces valine, which is neutral and non-polar, with glycine, which is neutral and non-polar, at codon 185 of the CDK4 protein (p.Val185Gly). This variant is not present in population databases (gnomAD no frequency). This variant has not been reported in the literature in individuals affected with CDK4-related conditions. Invitae Evidence Modeling of protein sequence and biophysical properties (such as structural, functional, and spatial information, amino acid conservation, physicochemical variation, residue mobility, and thermodynamic stability) indicates that this missense variant is expected to disrupt CDK4 protein function with a positive predictive value of 95%. In summary, the available evidence is currently insufficient to determine the role of this variant in disease. Therefore, it has been classified as a Variant of Uncertain Significance.